The following is an entry in ClinVar:

NM_004204.5(PIGQ):c.643_644delinsAC (p.Leu215Thr)

Gene: PIGQ (phosphatidylinositol glycan anchor biosynthesis class Q; plus strand). Cytogenetic location: 16p13.3.
Variant type: Indel.
Coding change: c.643_644delinsAC on transcript NM_004204.5 (MANE Select); coding-DNA positions 643 to 644, CT replaced by AC.
Protein change: p.Leu215Thr; replaces leucine 215 with threonine.
Molecular consequence: missense variant.
Genome position (GRCh38, 1-based): chr16:574,717-574,718, CT replaced by AC. VCF-style: chr16-574717-CT-AC. GRCh37 (hg19) VCF-style: chr16-624717-CT-AC.
Other names: c.643_644delinsAC, p.Leu215Thr (NM_148920.4); short protein forms L215T.
Identifiers: ClinVar variation 1403984 (VCV001403984.9), dbSNP rs2151044707, ClinGen allele CA2573152125.

ClinVar aggregate classification (germline): Uncertain significance. Review status: criteria provided, multiple submitters, no conflicts (2 of 4 stars). 2 submissions from 2 submitters: Uncertain significance (2). Last evaluated 2022-07-05.

Conditions:
Epilepsy. Also called: Seizure disorder. Identifiers: MedGen C0014544, MeSH D004827, MONDO:0005027.

Submissions (2):

Labcorp Genetics (formerly Invitae), Labcorp
Classification: Uncertain significance for Epilepsy. Last evaluated: 2022-07-05. Review status: criteria provided, single submitter. Criteria: Invitae Variant Classification Sherloc (09022015). Collection method: clinical testing. Allele origin: germline.
Comment: In summary, the available evidence is currently insufficient to determine the role of this variant in disease. Therefore, it has been classified as a Variant of Uncertain Significance. Algorithms developed to predict the effect of missense changes on protein structure and function are either unavailable or do not agree on the potential impact of this missense change (SIFT: "Not Available"; PolyPhen-2: "Possibly Damaging"; Align-GVGD: "Not Available"). ClinVar contains an entry for this variant (Variation ID: 1403984). This variant has not been reported in the literature in individuals affected with PIGQ-related conditions. Information on the frequency of this variant in the gnomAD database is not available, as this variant may be reported differently in the database. This sequence change replaces leucine, which is neutral and non-polar, with threonine, which is neutral and polar, at codon 215 of the PIGQ protein (p.Leu215Thr).

Blueprint Genetics
Classification: Uncertain significance. Last evaluated: 2021-08-11. Review status: criteria provided, single submitter. Criteria: ACMG Guidelines, 2015. Collection method: clinical testing. Allele origin: germline.